The following is an entry in ClinVar:

ClinVar aggregate classification (germline): Uncertain significance (1 of 4 stars; one submission).

Conditions:
CC2D1A-related disorder. Also called: CC2D1A-related condition.

gnomAD v4.1: 1 of 1,602,096 alleles (0.000062%); highest among the groups gnomAD compares: African/African-American, 0.0013%; no homozygotes.

Submission:

PreventionGenetics, part of Exact Sciences
Classification: Uncertain significance for CC2D1A-related condition. Last evaluated: 2024-12-02. Review status: criteria provided, single submitter. Criteria: ACMG Guidelines, 2015. Collection method: clinical testing. Allele origin: germline.
Comment: The CC2D1A c.1230C>T variant is not predicted to result in an amino acid change (p.=). This variant is predicted to alter splicing based on available splicing prediction programs (SpliceAI, Jaganathan et al. 2019. PubMed ID: 30661751). To our knowledge, this variant has not been reported in the literature. This variant is reported in 0.011% of alleles in individuals of African descent in gnomAD. At this time, the clinical significance of this variant is uncertain due to the absence of conclusive functional and genetic evidence.

NM_017721.5(CC2D1A):c.1230C>T (p.Pro410=)

Gene: CC2D1A (coiled-coil and C2 domain containing 1A; plus strand). Cytogenetic location: 19p13.12.
Variant type: single nucleotide variant.
Coding change: c.1230C>T on transcript NM_017721.5 (MANE Select); coding-DNA position 1230, C replaced by T.
Protein change: p.Pro410=; no amino-acid change (proline 410 retained).
Molecular consequence: synonymous variant.
Genome position (GRCh38, 1-based): chr19:13,919,825, C>T. VCF-style: chr19-13919825-C-T. GRCh37 (hg19) VCF-style: chr19-14030638-C-T.
Other names: c.1230C>T, p.Pro410= (NM_001411138.1).
Identifiers: ClinVar variation 5000054 (VCV005000054.1).